The following is an entry in ClinVar:

NM_144991.3(TSPEAR):c.533C>T (p.Pro178Leu)

Gene: TSPEAR (thrombospondin type laminin G domain and EAR repeats; minus strand). Cytogenetic location: 21q22.3.
Variant type: single nucleotide variant.
Coding change: c.533C>T on transcript NM_144991.3 (MANE Select); coding-DNA position 533, C replaced by T.
Protein change: p.Pro178Leu; replaces proline 178 with leucine.
Molecular consequence: missense variant.
Genome position (GRCh38, 1-based): chr21:44,533,694, G>A on the plus strand (C>T on the coding strand, the complement: TSPEAR is on the minus strand). VCF-style: chr21-44533694-G-A. GRCh37 (hg19) VCF-style: chr21-45953577-G-A.
Other names: c.329C>T, p.Pro110Leu (NM_001272037.2); short protein forms P110L, P178L.
Identifiers: ClinVar variation 1177644 (VCV001177644.8), dbSNP rs782685093, ClinGen allele CA10056991.
Genomic context (GRCh38, chr21:44,533,694, plus strand): 5'-CTGGCAGGACTCTGAGGACTGCAGGTGCACCCTCCCCGGGTGGGTACCTACATGTCCACC[G>A]GGAGGCCGCAGTCCGTGGTGAGGGAGAAGACGCCTGCGGACACAGCCAGGACCAGTGTGT-3'
Protein context (NP_659428.2, residues 168-188): VFSLTTDCGL[Pro178Leu]VDIMADVPFP

ClinVar aggregate classification (germline): Uncertain significance. Review status: criteria provided, multiple submitters, no conflicts (2 of 4 stars). 3 submissions from 3 submitters: Uncertain significance (3). Last evaluated 2024-09-25.

Conditions:
Autosomal recessive nonsyndromic hearing loss 98. Also called: Deafness, autosomal recessive 98. Identifiers: Orphanet 90636, MedGen C3553932, MONDO:0013929, OMIM 614861.

Allele frequency attached by ClinVar (database versions not stated): ExAC 0.00003; gnomAD exomes 0.00004 and 0.00005; TOPMed 0.00005; gnomAD 0.00008 and 0.00010.
gnomAD v4.1: 82 of 1,607,184 alleles (0.0051%); highest among the groups gnomAD compares: African/African-American, 0.02%; no homozygotes.

Submissions (3):

Blueprint Genetics
Classification: Uncertain significance. Last evaluated: 2024-09-25. Review status: criteria provided, single submitter. Criteria: ACMG Guidelines, 2015. Collection method: clinical testing. Allele origin: germline.

Labcorp Genetics (formerly Invitae), Labcorp
Classification: Uncertain significance. Last evaluated: 2022-08-09. Review status: criteria provided, single submitter. Criteria: Invitae Variant Classification Sherloc (09022015). Collection method: clinical testing. Allele origin: germline.
Comment: In summary, the available evidence is currently insufficient to determine the role of this variant in disease. Therefore, it has been classified as a Variant of Uncertain Significance. Algorithms developed to predict the effect of missense changes on protein structure and function are either unavailable or do not agree on the potential impact of this missense change (SIFT: "Deleterious"; PolyPhen-2: "Possibly Damaging"; Align-GVGD: "Class C0"). ClinVar contains an entry for this variant (Variation ID: 1177644). This missense change has been observed in individual(s) with deafness (PMID: 34042254). This variant is present in population databases (rs782685093, gnomAD 0.006%). This sequence change replaces proline, which is neutral and non-polar, with leucine, which is neutral and non-polar, at codon 178 of the TSPEAR protein (p.Pro178Leu).

Center for Individualized Medicine, Mayo Clinic
Classification: Uncertain significance for Autosomal recessive nonsyndromic hearing loss 98. Last evaluated: 2021-06-16. Review status: criteria provided, single submitter. Criteria: ACMG Guidelines, 2015. Collection method: research. Allele origin: inherited. Inheritance: Autosomal recessive inheritance. Affected: yes. Observed: 1 variant allele, 1 homozygote.

Literature cited by the submitters: PubMed 34042254 (cited by Labcorp Genetics (formerly Invitae), Labcorp and Center for Individualized Medicine, Mayo Clinic).